The following is an entry in ClinVar:

NM_000421.5(KRT10):c.75T>C (p.Cys25=)

Genes: KRT10 (keratin 10; minus strand), KRT10-AS1 (KRT10 antisense RNA 1; plus strand). Cytogenetic location: 17q21.2.
Variant type: single nucleotide variant.
Coding change: c.75T>C on transcript NM_000421.5 (MANE Select); coding-DNA position 75, T replaced by C.
Protein change: p.Cys25=; no amino-acid change (cysteine 25 retained).
Molecular consequence: synonymous variant.
Genome position (GRCh38, 1-based): chr17:40,822,511, A>G on the plus strand (T>C on the coding strand, the complement: KRT10 is on the minus strand). VCF-style: chr17-40822511-A-G. GRCh37 (hg19) VCF-style: chr17-38978763-A-G.
Other names: c.75T>C, p.Cys25= (NM_001379366.1).
Identifiers: ClinVar variation 1271293 (VCV001271293.3), dbSNP rs1555549255, ClinGen allele CA8548367.

ClinVar aggregate classification (germline): Benign. Review status: criteria provided, single submitter (1 of 4 stars). 2 submissions from 2 submitters: Benign (1). 1 of the submissions does not count toward it. Last evaluated 2015-03-03.

Conditions:
KRT10-related disorder. Also called: KRT10-related condition.

Allele frequency attached by ClinVar (database versions not stated): gnomAD exomes below 0.00001 and 0.00002; ExAC 0.00002.
gnomAD v4.1: 7 of 1,610,778 alleles (0.00043%); highest among the groups gnomAD compares: South Asian, 0.0033%; no homozygotes.

Submissions (2):

GeneDx
Classification: Benign. Last evaluated: 2015-03-03. Review status: criteria provided, single submitter. Criteria: GeneDx Variant Classification Process June 2021. Collection method: clinical testing. Allele origin: germline. Affected: yes.

PreventionGenetics, part of Exact Sciences
Classification: Likely benign for KRT10-related condition. Last evaluated: 2023-08-01. Review status: no assertion criteria provided. Collection method: clinical testing. Allele origin: germline. Not counted in ClinVar's aggregate classification.
Comment: This variant is classified as likely benign based on ACMG/AMP sequence variant interpretation guidelines (Richards et al. 2015 PMID: 25741868, with internal and published modifications).